The following is an entry in ClinVar:

ClinVar aggregate classification (germline): Likely pathogenic (1 of 4 stars; one submission).

Conditions:
HNSHA due to aldolase A deficiency (GSD12). Also called: GLYCOGEN STORAGE DISEASE XII; GSD XII; RED CELL ALDOLASE DEFICIENCY; Glycogen storage disease due to aldolase A deficiency. Identifiers: Orphanet 57, MedGen C0272066, MONDO:0012747, OMIM 611881.

Allele frequency attached by ClinVar (database versions not stated): gnomAD 0.00001; TOPMed 0.00001.
gnomAD v4.1: 2 of 1,613,776 alleles (0.00012%); highest among the groups gnomAD compares: African/African-American, 0.0027%; no homozygotes.

Submission:

Labcorp Genetics (formerly Invitae), Labcorp
Classification: Likely pathogenic for HNSHA due to aldolase A deficiency. Last evaluated: 2024-01-04. Review status: criteria provided, single submitter. Criteria: Invitae Variant Classification Sherloc (09022015). Collection method: clinical testing. Allele origin: germline.
Comment: This sequence change affects a donor splice site in intron 11 of the ALDOA gene. It is expected to disrupt RNA splicing. Variants that disrupt the donor or acceptor splice site typically lead to a loss of protein function (PMID: 16199547), and loss-of-function variants in ALDOA are known to be pathogenic (PMID: 2825199, 14615364). This variant is not present in population databases (gnomAD no frequency). This variant has not been reported in the literature in individuals affected with ALDOA-related conditions. Algorithms developed to predict the effect of sequence changes on RNA splicing suggest that this variant may disrupt the consensus splice site. In summary, the currently available evidence indicates that the variant is pathogenic, but additional data are needed to prove that conclusively. Therefore, this variant has been classified as Likely Pathogenic.

Literature cited by the submitters: PubMed 16199547; PubMed 2825199; PubMed 14615364.

NM_001243177.4(ALDOA):c.786+2T>C

Genes: ALDOA (aldolase, fructose-bisphosphate A; plus strand), LOC112694756 (uncharaterized LOC112694756; plus strand). Cytogenetic location: 16p11.2.
Variant type: single nucleotide variant.
Coding change: c.786+2T>C on transcript NM_001243177.4 (MANE Select); the canonical splice donor site of the intron after coding-DNA position 786, T replaced by C.
Molecular consequence: splice donor variant.
Genome position (GRCh38, 1-based): chr16:30,069,391, T>C. VCF-style: chr16-30069391-T-C. GRCh37 (hg19) VCF-style: chr16-30080712-T-C.
Other names: c.*1133+2T>C (NM_001365307.2, NM_001365305.2, NM_001365304.2); c.624+2T>C (NM_184043.2, NM_001127617.2, NM_184041.5).
Identifiers: ClinVar variation 2956786 (VCV002956786.3), dbSNP rs892947296, ClinGen allele CA280410715.